The following is an entry in ClinVar:

NM_000552.5(VWF):c.8155+1G>T

Gene: VWF (von Willebrand factor; minus strand). Cytogenetic location: 12p13.31.
Variant type: single nucleotide variant.
Coding change: c.8155+1G>T on transcript NM_000552.5 (MANE Select); the canonical splice donor site of the intron after coding-DNA position 8155, G replaced by T.
Molecular consequence: splice donor variant.
Genome position (GRCh38, 1-based): chr12:5,951,843, C>A on the plus strand (G>T on the coding strand, the complement: VWF is on the minus strand). VCF-style: chr12-5951843-C-A. GRCh37 (hg19) VCF-style: chr12-6061009-C-A.
Identifiers: ClinVar variation 1065223 (VCV001065223.3), dbSNP rs1943194455, ClinGen allele CA383487227.
Genomic context (GRCh38, chr12:5,951,843, plus strand): 5'-AAAGAGCCCCTGGACTTGCTCTGATGGGTTTCAAGGGACAAGATATTAGTAACGCACTCA[C>A]ATGTGTCACAGCAGGTGCCTGGAATTTTCATAATTTTACCCTAAGAAAACAGCAAAATTT-3'

ClinVar aggregate classification (germline): Likely pathogenic (0 of 4 stars; one submission).

Conditions:
von Willebrand disease type 3 (VWD3). Also called: Type 3 Von Willebrand's disease; Type 3 VWD; Von Willebrand disease, severe form; V WD3; VON WILLEBRAND DISEASE, TYPE III. Identifiers: Orphanet 166096, MedGen C1264041, MONDO:0010191, OMIM 277480.

Submission:

Angelo Bianchi Bonomi Hemophilia and Thrombosis Center, Fondazione IRCCS Ca Granda Ospedale Maggiore Policlinico
Classification: Likely pathogenic for von Willebrand disease type 3. Last evaluated: 2020-11-01. Review status: no assertion criteria provided. Collection method: clinical testing. Allele origin: germline. Affected: yes. Study: Type 3 Von Willebrand International Registries Inhibitor Prospective Study (3WINTERS-IPS).
Comment: ClinGen Pathogenicity Calculator